The following is an entry in ClinVar:

NM_000843.4(GRM6):c.1291C>A (p.Pro431Thr)

Genes: GRM6 (glutamate metabotropic receptor 6; minus strand), ZNF454 (zinc finger protein 454; plus strand). Cytogenetic location: 5q35.3.
Variant type: single nucleotide variant.
Coding change: c.1291C>A on transcript NM_000843.4 (MANE Select); coding-DNA position 1291, C replaced by A.
Protein change: p.Pro431Thr; replaces proline 431 with threonine.
Molecular consequence: missense variant.
Genome position (GRCh38, 1-based): chr5:178,988,998, G>T on the plus strand (C>A on the coding strand, the complement: GRM6 is on the minus strand). VCF-style: chr5-178988998-G-T. GRCh37 (hg19) VCF-style: chr5-178415999-G-T.
Other names: short protein forms P431T.
Identifiers: ClinVar variation 1720701 (VCV001720701.5), dbSNP rs768987346, ClinGen allele CA362429979.

ClinVar aggregate classification (germline): Uncertain significance (1 of 4 stars; one submission).

gnomAD v4.1: 1 of 1,614,068 alleles (0.000062%); highest among the groups gnomAD compares: African/African-American, 0.0013%; no homozygotes.

Submission:

Labcorp Genetics (formerly Invitae), Labcorp
Classification: Uncertain significance. Last evaluated: 2022-11-01. Review status: criteria provided, single submitter. Criteria: Invitae Variant Classification Sherloc (09022015). Collection method: clinical testing. Allele origin: germline.
Comment: In summary, the available evidence is currently insufficient to determine the role of this variant in disease. Therefore, it has been classified as a Variant of Uncertain Significance. Advanced modeling of protein sequence and biophysical properties (such as structural, functional, and spatial information, amino acid conservation, physicochemical variation, residue mobility, and thermodynamic stability) performed at Invitae indicates that this missense variant is not expected to disrupt GRM6 protein function. This variant has not been reported in the literature in individuals affected with GRM6-related conditions. This variant is not present in population databases (gnomAD no frequency). This sequence change replaces proline, which is neutral and non-polar, with threonine, which is neutral and polar, at codon 431 of the GRM6 protein (p.Pro431Thr).